The following is an entry in ClinVar:

NM_024753.5(TTC21B):c.3131G>A (p.Arg1044Gln)

Gene: TTC21B (tetratricopeptide repeat domain 21B; minus strand). Cytogenetic location: 2q24.3.
Variant type: single nucleotide variant.
Coding change: c.3131G>A on transcript NM_024753.5 (MANE Select); coding-DNA position 3131, G replaced by A.
Protein change: p.Arg1044Gln; replaces arginine 1044 with glutamine.
Molecular consequence: missense variant.
Genome position (GRCh38, 1-based): chr2:165,890,611, C>T on the plus strand (G>A on the coding strand, the complement: TTC21B is on the minus strand). VCF-style: chr2-165890611-C-T. GRCh37 (hg19) VCF-style: chr2-166747121-C-T.
Other names: c.3131G>A (NM_024753.3, NM_024753.4); short protein forms R1044Q.
Identifiers: ClinVar variation 1417032 (VCV001417032.12), dbSNP rs140908725, ClinGen allele CA1941576.

ClinVar aggregate classification (germline): Conflicting classifications of pathogenicity. Review status: criteria provided, conflicting classifications (1 of 4 stars). 6 submissions from 6 submitters: Uncertain significance (4); Likely benign (2). Last evaluated 2026-05-09.

Conditions:
Nephronophthisis. Also called: Juvenile Nephronophthisis. Identifiers: Orphanet 655, MedGen C0687120, MONDO:0019005, HP:0000090.
Jeune thoracic dystrophy. Also called: Jeune syndrome; Infantile thoracic dystrophy; Thoracic pelvic phalangeal dystrophy; Jeune's syndrome; Chondroectodermal dysplasia-like syndrome; Short-rib thoracic dysplasia. Identifiers: Orphanet 474, MedGen C0265275, MONDO:0018770.
TTC21B-related disorder. Also called: TTC21B-related disorders; TTC21B-related condition.
Inborn genetic diseases. Identifiers: MedGen C0950123, MeSH D030342.
Nephronophthisis 12 (NPHP12). Identifiers: Orphanet 655, MedGen C3151186, MONDO:0013442, OMIM 613820.
Asphyxiating thoracic dystrophy 4 (SRTD4). Also called: SHORT-RIB THORACIC DYSPLASIA 4 WITH OR WITHOUT POLYDACTYLY; SHORT-RIB THORACIC DYSPLASIA 4. Identifiers: Orphanet 474, MedGen C3151185, MONDO:0013441, OMIM 613819.

Allele frequency attached by ClinVar (database versions not stated): gnomAD exomes 0.00003 and 0.00007; ExAC 0.00008; gnomAD 0.00014 and 0.00016; ESP Exome Variant Server 0.00023; TOPMed 0.00024.
gnomAD v4.1: 62 of 1,613,582 alleles (0.0038%); highest among the groups gnomAD compares: African/African-American, 0.068%; no homozygotes.

Submissions (6):

PreventionGenetics, part of Exact Sciences
Classification: Uncertain significance for TTC21B-related condition. Last evaluated: 2026-05-09. Review status: criteria provided, single submitter. Criteria: ACMG Guidelines, 2015. Collection method: clinical testing. Allele origin: germline.
Comment: The TTC21B c.3131G>A variant is predicted to result in the amino acid substitution p.Arg1044Gln. To our knowledge, this variant has not been reported in the literature. This variant is reported in 0.064% of alleles in individuals of African descent in gnomAD, which may be too frequent to be a primary cause of disease. Although we suspect that this variant may be benign, at this time, the clinical significance of this variant is uncertain due to the absence of conclusive functional and genetic evidence.

Labcorp Genetics (formerly Invitae), Labcorp
Classification: Likely benign for Jeune thoracic dystrophy; Nephronophthisis. Last evaluated: 2026-01-01. Review status: criteria provided, single submitter. Criteria: Invitae Variant Classification Sherloc (09022015). Collection method: clinical testing. Allele origin: germline.

Fulgent Genetics
Classification: Uncertain significance for Asphyxiating thoracic dystrophy 4; Nephronophthisis 12. Last evaluated: 2024-06-12. Review status: criteria provided, single submitter. Criteria: ACMG Guidelines, 2015. Collection method: clinical testing. Allele origin: germline.

Ambry Genetics
Classification: Likely benign for Inborn genetic diseases. Last evaluated: 2023-11-03. Review status: criteria provided, single submitter. Criteria: Ambry Variant Classification Scheme 2023. Collection method: clinical testing. Allele origin: germline.

GeneDx
Classification: Uncertain significance. Last evaluated: 2022-09-13. Review status: criteria provided, single submitter. Criteria: GeneDx Variant Classification Process June 2021. Collection method: clinical testing. Allele origin: germline. Affected: yes.
Comment: In silico analysis supports that this missense variant does not alter protein structure/function; Has not been previously published as pathogenic or benign to our knowledge

Breakthrough Genomics
Classification: Uncertain significance. Review status: criteria provided, single submitter. Criteria: ACMG Guidelines, 2015. Collection method: not provided. Allele origin: germline. Inheritance: Autosomal recessive inheritance. Affected: yes.